The following is an entry in ClinVar:

ClinVar aggregate classification (germline): Uncertain significance (1 of 4 stars; one submission).

Allele frequency attached by ClinVar (database versions not stated): gnomAD 0.00002 and 0.00003; gnomAD exomes 0.00002; ExAC 0.00003; TOPMed 0.00003; 1000 Genomes Project 30x 0.00016; 1000 Genomes Project 0.00020.
gnomAD v4.1: 61 of 1,613,696 alleles (0.0038%); highest among the groups gnomAD compares: East Asian, 0.04%; no homozygotes.

Submission:

Labcorp Genetics (formerly Invitae), Labcorp
Classification: Uncertain significance. Last evaluated: 2024-08-13. Review status: criteria provided, single submitter. Criteria: Invitae Variant Classification Sherloc (09022015). Collection method: clinical testing. Allele origin: germline.
Comment: This sequence change replaces arginine, which is basic and polar, with histidine, which is basic and polar, at codon 309 of the MKL1 protein (p.Arg309His). This variant is present in population databases (rs545597621, gnomAD 0.01%). This variant has not been reported in the literature in individuals affected with MKL1-related conditions. ClinVar contains an entry for this variant (Variation ID: 1683103). An algorithm developed to predict the effect of missense changes on protein structure and function (PolyPhen-2) suggests that this variant is likely to be disruptive. In summary, the available evidence is currently insufficient to determine the role of this variant in disease. Therefore, it has been classified as a Variant of Uncertain Significance.

NM_020831.6(MRTFA):c.1226G>A (p.Arg409His)

Gene: MRTFA (myocardin related transcription factor A; minus strand). Cytogenetic location: 22q13.1.
Variant type: single nucleotide variant.
Coding change: c.1226G>A on transcript NM_020831.6 (MANE Select); coding-DNA position 1226, G replaced by A.
Protein change: p.Arg409His; replaces arginine 409 with histidine.
Molecular consequence: missense variant.
Genome position (GRCh38, 1-based): chr22:40,420,532, C>T on the plus strand (G>A on the coding strand, the complement: MRTFA is on the minus strand). VCF-style: chr22-40420532-C-T. GRCh37 (hg19) VCF-style: chr22-40816536-C-T.
Other names: c.926G>A, p.Arg309His (NM_001282660.2); c.1076G>A, p.Arg359His (NM_001282661.3); c.1226G>A, p.Arg409His (NM_001282662.3); c.1031G>A, p.Arg344His (NM_001318139.2); short protein forms R309H, R344H, R359H, R409H.
Identifiers: ClinVar variation 1683103 (VCV001683103.6), dbSNP rs545597621, ClinGen allele CA10249739.
Genomic context (GRCh38, chr22:40,420,532, plus strand): 5'-GCCAGCCCACAGGGCCCAGGGGCGCCCGAGCTGGAGCTGCTATTGGTAGTGGAGAGGCTG[C>T]GTACTGGGGGGGTCCCGCTGCTTCCCAGGGCCTCGCCTGCTGACCTGGGAAGAAAAGGCA-3'
Protein context (NP_065882.2, residues 399-419): ALGSSGTPPV[Arg409His]SLSTTNSSSS